The following is an entry in ClinVar:

ClinVar aggregate classification (germline): Uncertain significance (1 of 4 stars; one submission).

Conditions:
Common variable immunodeficiency (CVID). Also called: Common variable hypogamma-globulinemia; Common variable agammaglobulinemia. Identifiers: Orphanet 1572, MedGen C0009447, MONDO:0015517.

gnomAD v4.1: 10 of 1,614,050 alleles (0.00062%); highest among the groups gnomAD compares: Non-Finnish European, 0.00059%; no homozygotes.

Submission:

Labcorp Genetics (formerly Invitae), Labcorp
Classification: Uncertain significance for Common variable immunodeficiency. Last evaluated: 2024-01-15. Review status: criteria provided, single submitter. Criteria: Invitae Variant Classification Sherloc (09022015). Collection method: clinical testing. Allele origin: germline.
Comment: This sequence change replaces arginine, which is basic and polar, with glutamine, which is neutral and polar, at codon 116 of the TNFSF12 protein (p.Arg116Gln). This variant is present in population databases (no rsID available, gnomAD 0.0009%). This variant has not been reported in the literature in individuals affected with TNFSF12-related conditions. ClinVar contains an entry for this variant (Variation ID: 1351154). Algorithms developed to predict the effect of missense changes on protein structure and function output the following: SIFT: "Not Available"; PolyPhen-2: "Benign"; Align-GVGD: "Not Available". The glutamine amino acid residue is found in multiple mammalian species, which suggests that this missense change does not adversely affect protein function. In summary, the available evidence is currently insufficient to determine the role of this variant in disease. Therefore, it has been classified as a Variant of Uncertain Significance.

NM_003809.3(TNFSF12):c.347G>A (p.Arg116Gln)

Genes: TNFSF12 (TNF superfamily member 12; plus strand), TNFSF12-TNFSF13 (TNFSF12-TNFSF13 readthrough; plus strand). Cytogenetic location: 17p13.1.
Variant type: single nucleotide variant.
Coding change: c.347G>A on transcript NM_003809.3 (MANE Select); coding-DNA position 347, G replaced by A.
Protein change: p.Arg116Gln; replaces arginine 116 with glutamine.
Molecular consequence: missense variant. On other transcripts: non-coding transcript variant (1).
Genome position (GRCh38, 1-based): chr17:7,550,952, G>A. VCF-style: chr17-7550952-G-A. GRCh37 (hg19) VCF-style: chr17-7454269-G-A.
Other names: c.347G>A, p.Arg116Gln (NM_172089.4); short protein forms R116Q.
Identifiers: ClinVar variation 1351154 (VCV001351154.8), dbSNP rs771459468, ClinGen allele CA397857695.